The following is an entry in ClinVar:

NM_001042492.3(NF1):c.4820A>G (p.Tyr1607Cys)

Gene: NF1 (neurofibromin 1; plus strand). Cytogenetic location: 17q11.2.
Variant type: single nucleotide variant.
Coding change: c.4820A>G on transcript NM_001042492.3 (MANE Select); coding-DNA position 4820, A replaced by G.
Protein change: p.Tyr1607Cys; replaces tyrosine 1607 with cysteine.
Molecular consequence: missense variant.
Genome position (GRCh38, 1-based): chr17:31,265,324, A>G. VCF-style: chr17-31265324-A-G. GRCh37 (hg19) VCF-style: chr17-29592342-A-G.
Other names: c.4757A>G, p.Tyr1586Cys (NM_000267.4); short protein forms Y1607C, Y1586C.
Identifiers: ClinVar variation 3018192 (VCV003018192.3), dbSNP rs2151470317, ClinGen allele CA399001362.

ClinVar aggregate classification (germline): Uncertain significance (1 of 4 stars; one submission).

Conditions:
Neurofibromatosis, type 1 (NF1). Also called: Neurofibromatosis, type I; NEUROFIBROMATOSIS, TYPE I, SOMATIC; VON RECKLINGHAUSEN DISEASE; Peripheral type neurofibromatosis. Identifiers: Orphanet 636, MedGen C0027831, MONDO:0018975, OMIM 162200. Disease mechanism: loss of function.

Allele frequency attached by ClinVar (database versions not stated): gnomAD exomes below 0.00001.
gnomAD v4.1: 1 of 1,611,260 alleles (0.000062%); highest among the groups gnomAD compares: Non-Finnish European, 0.000085%; no homozygotes.

Submission:

Labcorp Genetics (formerly Invitae), Labcorp
Classification: Uncertain significance for Neurofibromatosis, type 1. Last evaluated: 2024-04-05. Review status: criteria provided, single submitter. Criteria: Invitae Variant Classification Sherloc (09022015). Collection method: clinical testing. Allele origin: germline.
Comment: This sequence change replaces tyrosine, which is neutral and polar, with cysteine, which is neutral and slightly polar, at codon 1586 of the NF1 protein (p.Tyr1586Cys). This variant is not present in population databases (gnomAD no frequency). This variant has not been reported in the literature in individuals affected with NF1-related conditions. Advanced modeling of protein sequence and biophysical properties (such as structural, functional, and spatial information, amino acid conservation, physicochemical variation, residue mobility, and thermodynamic stability) performed at Invitae indicates that this missense variant is expected to disrupt NF1 protein function with a positive predictive value of 95%. In summary, the available evidence is currently insufficient to determine the role of this variant in disease. Therefore, it has been classified as a Variant of Uncertain Significance.